The following is an entry in ClinVar:

ClinVar aggregate classification (germline): Uncertain significance (1 of 4 stars; one submission).

Conditions:
Hypertrophic cardiomyopathy. Also called: HYPERTROPHIC MYOCARDIOPATHY. Identifiers: Orphanet 217569, MedGen C0007194, MeSH D002312, MONDO:0005045, HP:0001639.

Submission:

Labcorp Genetics (formerly Invitae), Labcorp
Classification: Uncertain significance for Hypertrophic cardiomyopathy. Last evaluated: 2020-03-25. Review status: criteria provided, single submitter. Criteria: Invitae Variant Classification Sherloc (09022015). Collection method: clinical testing. Allele origin: germline.
Comment: This variant is found within a region of MYH7 between codons 181 and 937 that contains the majority of the myosin head domain. Missense variants in this region have been shown to be significantly overrepresented in individuals with hypertrophic cardiomyopathy (PMID: 27532257). Algorithms developed to predict the effect of missense changes on protein structure and function (SIFT, PolyPhen-2, Align-GVGD) all suggest that this variant is likely to be disruptive, but these predictions have not been confirmed by published functional studies and their clinical significance is uncertain. This variant has not been reported in the literature in individuals with MYH7-related conditions. This variant is not present in population databases (ExAC no frequency). This sequence change replaces asparagine with tyrosine at codon 597 of the MYH7 protein (p.Asn597Tyr). The asparagine residue is highly conserved and there is a large physicochemical difference between asparagine and tyrosine. In summary, the available evidence is currently insufficient to determine the role of this variant in disease. Therefore, it has been classified as a Variant of Uncertain Significance.

Literature cited by the submitters: PubMed 27532257.

NM_000257.4(MYH7):c.1789A>T (p.Asn597Tyr)

Gene: MYH7 (myosin heavy chain 7; minus strand). Cytogenetic location: 14q11.2.
Variant type: single nucleotide variant.
Coding change: c.1789A>T on transcript NM_000257.4 (MANE Select); coding-DNA position 1789, A replaced by T.
Protein change: p.Asn597Tyr; replaces asparagine 597 with tyrosine.
Molecular consequence: missense variant.
Genome position (GRCh38, 1-based): chr14:23,427,684, T>A on the plus strand (A>T on the coding strand, the complement: MYH7 is on the minus strand). VCF-style: chr14-23427684-T-A. GRCh37 (hg19) VCF-style: chr14-23896893-T-A.
Other names: short protein forms N597Y.
Identifiers: ClinVar variation 1021790 (VCV001021790.8), dbSNP rs1892748604, ClinGen allele CA389049811.